The following is an entry in ClinVar:

NM_007118.4(TRIO):c.6092T>A (p.Leu2031Ter)

Gene: TRIO (trio Rho guanine nucleotide exchange factor; plus strand). Cytogenetic location: 5p15.2.
Variant type: single nucleotide variant.
Coding change: c.6092T>A on transcript NM_007118.4 (MANE Select); coding-DNA position 6092, T replaced by A.
Protein change: p.Leu2031Ter; replaces leucine 2031 with a stop codon.
Molecular consequence: nonsense. On other transcripts: non-coding transcript variant (1).
Genome position (GRCh38, 1-based): chr5:14,476,902, T>A. VCF-style: chr5-14476902-T-A. GRCh37 (hg19) VCF-style: chr5-14477011-T-A.
Other names: short protein forms L2031*.
Identifiers: ClinVar variation 5020103 (VCV005020103.1).

ClinVar aggregate classification (germline): Likely pathogenic (1 of 4 stars; one submission).

Conditions:
TRIO-Related Neurodevelopmental Disorder. Identifiers: MedGen CN381290.

Submission:

Division of Genetic & Genomic Pathology, Hong Kong Children's Hospital
Classification: Likely pathogenic for TRIO-Related Neurodevelopmental Disorder. Last evaluated: 2025-05-14. Review status: criteria provided, single submitter. Criteria: ACMG Guidelines, 2015. Collection method: clinical testing. Allele origin: germline. Affected: yes.
Comment: The nonsense variant TRIO c.6092T>A p.(Leu2031*) in exon 41 (out of 57 exons) creates a premature stop codon. It is predicted to result in loss of normal protein function by protein truncation or nonsense-mediated mRNA decay. TRIO is curated as a gene with sufficient evidence for haploinsufficiency in ClinGen. This variant is absent in population control database (gnomAD v2.1.1 and v4.1.0). It has not been reported in clinical mutation databases but multiple downstream loss-of-function variants have been reported as pathogenic (ClinVar and HGMD 2025.1). For these reasons, the variant is classified as likely pathogenic.